The following is an entry in ClinVar:

NM_025114.4(CEP290):c.6948C>T (p.Asp2316=)

Gene: CEP290 (centrosomal protein 290; minus strand). Cytogenetic location: 12q21.32.
Variant type: single nucleotide variant.
Coding change: c.6948C>T on transcript NM_025114.4 (MANE Select); coding-DNA position 6948, C replaced by T.
Protein change: p.Asp2316=; no amino-acid change (aspartic acid 2316 retained).
Molecular consequence: synonymous variant.
Genome position (GRCh38, 1-based): chr12:88,055,588, G>A on the plus strand (C>T on the coding strand, the complement: CEP290 is on the minus strand). VCF-style: chr12-88055588-G-A. GRCh37 (hg19) VCF-style: chr12-88449365-G-A.
Other names: c.6948C>T (NM_025114.3).
Identifiers: ClinVar variation 1115450 (VCV001115450.12), dbSNP rs768771609, ClinGen allele CA241147276.

ClinVar aggregate classification (germline): Likely benign. Review status: criteria provided, multiple submitters, no conflicts (2 of 4 stars). 3 submissions from 3 submitters: Likely benign (2). 1 of the submissions does not count toward it. Last evaluated 2025-08-26.

Conditions:
CEP290-related disorder. Also called: CEP290-related condition; CEP290-related disorders. Identifiers: MedGen CN239314.
Meckel-Gruber syndrome. Also called: DYSENCEPHALIA SPLANCHNOCYSTICA; GRUBER SYNDROME; Dysencephalia splachnocystica. Identifiers: Orphanet 564, MedGen C0265215, MONDO:0018921.
Joubert syndrome. Also called: JOUBERT-BOLTSHAUSER SYNDROME; Familial aplasia of the vermis. Identifiers: Orphanet 475, MedGen C5979921, MONDO:0018772.
Nephronophthisis. Also called: Juvenile Nephronophthisis. Identifiers: Orphanet 655, MedGen C0687120, MONDO:0019005, HP:0000090.

Allele frequency attached by ClinVar (database versions not stated): gnomAD 0.00001; gnomAD exomes 0.00003.

Submissions (3):

Labcorp Genetics (formerly Invitae), Labcorp
Classification: Likely benign for Joubert syndrome; Meckel-Gruber syndrome; Nephronophthisis. Last evaluated: 2025-08-26. Review status: criteria provided, single submitter. Criteria: Invitae Variant Classification Sherloc (09022015). Collection method: clinical testing. Allele origin: germline.

Blueprint Genetics
Classification: Likely benign. Last evaluated: 2022-07-27. Review status: criteria provided, single submitter. Criteria: ACMG Guidelines, 2015. Collection method: clinical testing. Allele origin: germline.

PreventionGenetics, part of Exact Sciences
Classification: Likely benign for CEP290-related condition. Last evaluated: 2022-05-12. Review status: no assertion criteria provided. Collection method: clinical testing. Allele origin: germline. Not counted in ClinVar's aggregate classification.
Comment: This variant is classified as likely benign based on ACMG/AMP sequence variant interpretation guidelines (Richards et al. 2015 PMID: 25741868, with internal and published modifications).